The following is an entry in ClinVar:

NM_002181.4(IHH):c.714dup (p.Thr239fs)

Gene: IHH (Indian hedgehog signaling molecule; minus strand). Cytogenetic location: 2q35.
Variant type: Duplication.
Coding change: c.714dup on transcript NM_002181.4 (MANE Select); coding-DNA position 714, one base duplicated (C; older notation c.714dupC).
Protein change: p.Thr239fs; shifts the reading frame from threonine 239.
Molecular consequence: frameshift variant.
Genome position (GRCh38, 1-based): chr2:219,055,729, G duplicated on the plus strand (C on the coding strand, the reverse complement: IHH is on the minus strand); the first of 4 consecutive G bases (chr2:219,055,729-219,055,732); duplicating any one gives the same sequence. VCF-style (leftmost placement, unchanged base first): chr2-219055728-T-TG. GRCh37 (hg19) VCF-style: chr2-219920450-T-TG.
Other names: short protein forms T239fs.
Identifiers: ClinVar variation 2697447 (VCV002697447.3), dbSNP rs2469510717, ClinGen allele CA2697550460.
Genomic context (GRCh38, chr2:219,055,728, plus strand): 5'-CCTGGAAGGCTCTCAGCCTGTGAGGCTCGCGGTCCAGGAAAATGAGCACATCGCTGAAGG[T>TG]GGGGCTCCCATCCTCCCCCATGGCCAGCACACGGTCTCCCGGCCTCACGGCTGACAAGGC-3'

ClinVar aggregate classification (germline): Pathogenic (1 of 4 stars; one submission).

Submission:

Labcorp Genetics (formerly Invitae), Labcorp
Classification: Pathogenic. Last evaluated: 2023-11-24. Review status: criteria provided, single submitter. Criteria: Invitae Variant Classification Sherloc (09022015). Collection method: clinical testing. Allele origin: germline.
Comment: This sequence change creates a premature translational stop signal (p.Thr239Hisfs*43) in the IHH gene. While this is not anticipated to result in nonsense mediated decay, it is expected to disrupt the last 173 amino acid(s) of the IHH protein. This variant is not present in population databases (gnomAD no frequency). This variant has not been reported in the literature in individuals affected with IHH-related conditions. This variant disrupts a region of the IHH protein in which other variant(s) (p.Val317Met) have been determined to be pathogenic (PMID: 29155992, 32311039; Invitae). This suggests that this is a clinically significant region of the protein, and that variants that disrupt it are likely to be disease-causing. For these reasons, this variant has been classified as Pathogenic.

Literature cited by the submitters: PubMed 29155992; PubMed 32311039.